The following is an entry in ClinVar:

ClinVar aggregate classification (germline): Likely pathogenic (1 of 4 stars; one submission).

Conditions:
Myopathy, proximal, and ophthalmoplegia (CMYO6). Also called: MYOPATHY WITH CONGENITAL JOINT CONTRACTURES, OPHTHALMOPLEGIA, AND RIMMED VACUOLES; CONGENITAL MYOPATHY 6 WITH OPHTHALMOPLEGIA; INCLUSION BODY MYOPATHY 3, AUTOSOMAL DOMINANT. Identifiers: Orphanet 363677, Orphanet 79091, MedGen C1854106, MONDO:0011577, OMIM 605637.

Submission:

3billion
Classification: Likely pathogenic for Myopathy, proximal, and ophthalmoplegia. Last evaluated: 2023-08-15. Review status: criteria provided, single submitter. Criteria: ACMG Guidelines, 2015. Collection method: clinical testing. Allele origin: germline. Affected: yes.
Comment: The variant is not observed in the gnomAD v2.1.1 dataset. Predicted Consequence/Location: Frameshift: predicted to result in a loss or disruption of normal protein function through nonsense-mediated decay (NMD) or protein truncation. Multiple pathogenic variants are reported downstream of the variant. Therefore, this variant is classified as Likely pathogenic according to the recommendation of ACMG/AMP guideline.

NM_017534.6(MYH2):c.2593del (p.Ile865fs)

Genes: MYH2 (myosin heavy chain 2; minus strand), MYHAS (myosin heavy chain gene cluster antisense RNA; plus strand). Cytogenetic location: 17p13.1.
Variant type: Deletion.
Coding change: c.2593del on transcript NM_017534.6 (MANE Select); coding-DNA position 2593, one base deleted (A; older notation c.2593delA).
Protein change: p.Ile865fs; shifts the reading frame from isoleucine 865.
Molecular consequence: frameshift variant.
Genome position (GRCh38, 1-based): chr17:10,531,737, T deleted on the plus strand (A on the coding strand, the reverse complement: MYH2 is on the minus strand); the first of 4 consecutive T bases (chr17:10,531,737-10,531,740); deleting any one gives the same sequence. VCF-style (leftmost placement, unchanged base first): chr17-10531736-AT-A. GRCh37 (hg19) VCF-style: chr17-10435053-AT-A.
Other names: c.2593del, p.Ile865fs (NM_001100112.2); short protein forms I865fs.
Identifiers: ClinVar variation 3775435 (VCV003775435.1).